The following is an entry in ClinVar:

ClinVar aggregate classification (germline): Uncertain significance. Review status: criteria provided, multiple submitters, no conflicts (2 of 4 stars). 2 submissions from 2 submitters: Uncertain significance (2). Last evaluated 2024-09-22.

Conditions:
Autosomal dominant nocturnal frontal lobe epilepsy 3. Also called: CHRNB2-Related Nocturnal Frontal Lobe Epilepsy, Autosomal Dominant. Identifiers: Orphanet 98784, MedGen C1854335, MONDO:0011545, OMIM 605375.

Submissions (2):

Genomic Medicine Center of Excellence, King Faisal Specialist Hospital and Research Centre
Classification: Uncertain significance for Autosomal dominant nocturnal frontal lobe epilepsy 3. Last evaluated: 2024-09-22. Review status: criteria provided, single submitter. Criteria: ACMG Guidelines, 2015. Collection method: clinical testing. Allele origin: germline.

GeneDx
Classification: Uncertain significance. Last evaluated: 2015-01-08. Review status: criteria provided, single submitter. Criteria: GeneDx Variant Classification (06012015). Collection method: clinical testing. Allele origin: germline. Affected: yes.
Comment: c.1132_1134delTTC: p.Phe378del (F378del) in exon 5 of the CHRNB2 gene (NM_000748.2). The normal sequence with the bases that are deleted in braces is: CTTC{TTC}GCGC. The c.1132_1134delTTC variant has not been published as a mutation, nor has it been reported as a benign polymorphism to our knowledge. It was not observed in approximately 6,000 individuals of European and African American ancestry in the NHLBI Exome Sequencing Project, indicating it is not a common benign variant in these populations. The c.1132_1134delTTC variant results in an in-frame deletion of a single Phenylalanine residue at a poorly conserved position. This variant is not predicted to occur within the transmembrane region of the protein, where the vast majority of pathogenic missense mutations have been identified in association with epilepsy (Steinlein et al., 2010). Therefore, based on the currently available information, it is unclear whether c.1132_1134delTTC is a pathogenic mutation or a rare benign variant. The variant is found in EPILEPSYV2-1 panel(s).

NM_000748.3(CHRNB2):c.1129TTC[1] (p.Phe378del)

Gene: CHRNB2 (cholinergic receptor nicotinic beta 2 subunit; plus strand). Cytogenetic location: 1q21.3.
Variant type: Microsatellite.
Coding change: c.1129TTC[1] on transcript NM_000748.3 (MANE Select); one copy of the 3-base unit TTC starting at c.1129; the reference has two copies in a row; one copy, 3 bases deleted; also written c.1132_1134del.
Protein change: p.Phe378del; deletes phenylalanine 378.
Molecular consequence: inframe deletion.
Genome position (GRCh38, 1-based): chr1:154,571,955-154,571,957, TTC deleted; deleting any 3 consecutive bases within chr1:154,571,950-154,571,957 gives the same sequence; the position shown is the placement nearest the transcript's 3' end. VCF-style (leftmost placement, unchanged base first): chr1-154571949-CTCT-C. GRCh37 (hg19) VCF-style: chr1-154544425-CTCT-C.
Other names: c.1132_1134del (NM_000748.3); short protein forms F378del.
Identifiers: ClinVar variation 205078 (VCV000205078.2), dbSNP rs796052330, ClinGen allele CA313673.